The following is an entry in ClinVar:

NM_001378328.1(CELSR1):c.3240G>A (p.Pro1080=)

Gene: CELSR1 (cadherin EGF LAG seven-pass G-type receptor 1; minus strand). Cytogenetic location: 22q13.31.
Variant type: single nucleotide variant.
Coding change: c.3240G>A on transcript NM_001378328.1 (MANE Select); coding-DNA position 3240, G replaced by A.
Protein change: p.Pro1080=; no amino-acid change (proline 1080 retained).
Molecular consequence: synonymous variant.
Genome position (GRCh38, 1-based): chr22:46,533,931, C>T on the plus strand (G>A on the coding strand, the complement: CELSR1 is on the minus strand). VCF-style: chr22-46533931-C-T. GRCh37 (hg19) VCF-style: chr22-46929828-C-T.
Other names: c.3240G>A, p.Pro1080= (NM_014246.4).
Identifiers: ClinVar variation 2653339 (VCV002653339.25), dbSNP rs138357150, ClinGen allele CA10295057.

ClinVar aggregate classification (germline): Benign/Likely benign. Review status: criteria provided, multiple submitters, no conflicts (2 of 4 stars). 2 submissions from 2 submitters: Benign (1); Likely benign (1). Last evaluated 2024-11-21.

Allele frequency attached by ClinVar (database versions not stated): gnomAD 0.00300; ExAC 0.00320; ESP Exome Variant Server 0.00446; 1000 Genomes Project 30x 0.00109; 1000 Genomes Project 0.00140.
gnomAD v4.1: 7,640 of 1,613,016 alleles (0.47%); highest among the groups gnomAD compares: Non-Finnish European, 0.56%; 16 homozygotes.

Submissions (2):

Blueprint Genetics
Classification: Likely benign. Last evaluated: 2024-11-21. Review status: criteria provided, single submitter. Criteria: ACMG Guidelines, 2015. Collection method: clinical testing. Allele origin: germline.

CeGaT Center for Human Genetics Tuebingen
Classification: Benign. Last evaluated: 2022-06-01. Review status: criteria provided, single submitter. Criteria: CeGaT Center For Human Genetics Tuebingen Variant Classification Criteria Version 2. Collection method: clinical testing. Allele origin: germline. Affected: yes. Observed: 2 variant alleles.
Comment: CELSR1: BS1, BS2